The following is an entry in ClinVar:

NM_001365276.2(TNXB):c.488G>C (p.Gly163Ala)

Gene: TNXB (tenascin XB; minus strand). Cytogenetic location: 6p21.33.
Variant type: single nucleotide variant.
Coding change: c.488G>C on transcript NM_001365276.2 (MANE Select); coding-DNA position 488, G replaced by C.
Protein change: p.Gly163Ala; replaces glycine 163 with alanine.
Molecular consequence: missense variant.
Genome position (GRCh38, 1-based): chr6:32,097,365, C>G on the plus strand (G>C on the coding strand, the complement: TNXB is on the minus strand). VCF-style: chr6-32097365-C-G. GRCh37 (hg19) VCF-style: chr6-32065142-C-G.
Other names: c.488G>C, p.Gly163Ala (NM_019105.8); short protein forms G163A.
Identifiers: ClinVar variation 1305541 (VCV001305541.2), dbSNP rs1780473824, ClinGen allele CA363488149.

ClinVar aggregate classification (germline): Uncertain significance (1 of 4 stars; one submission).

Submission:

GeneDx
Classification: Uncertain significance. Last evaluated: 2019-04-29. Review status: criteria provided, single submitter. Criteria: GeneDx Variant Classification Process June 2021. Collection method: clinical testing. Allele origin: germline. Affected: yes.
Comment: Not observed in large population cohorts (Lek et al., 2016); In silico analysis, which includes protein predictors and evolutionary conservation, supports a deleterious effect; Has not been previously published as pathogenic or benign to our knowledge